The following is an entry in ClinVar:

NM_001367624.2(ZNF469):c.2308C>A (p.Pro770Thr)

Gene: ZNF469 (zinc finger protein 469; plus strand). Cytogenetic location: 16q24.2.
Variant type: single nucleotide variant.
Coding change: c.2308C>A on transcript NM_001367624.2 (MANE Select); coding-DNA position 2308, C replaced by A.
Protein change: p.Pro770Thr; replaces proline 770 with threonine.
Molecular consequence: missense variant.
Genome position (GRCh38, 1-based): chr16:88,429,778, C>A. VCF-style: chr16-88429778-C-A. GRCh37 (hg19) VCF-style: chr16-88496186-C-A.
Other names: p.Pro770Thr; short protein forms P770T.
Identifiers: ClinVar variation 4542054 (VCV004542054.1).

ClinVar aggregate classification (germline): Uncertain significance (1 of 4 stars; one submission).

gnomAD v4.1: 1 of 1,544,504 alleles (0.000065%); highest among the groups gnomAD compares: Non-Finnish European, 0.000087%; no homozygotes.

Submission:

Mayo Clinic Laboratories, Mayo Clinic
Classification: Uncertain significance. Last evaluated: 2025-11-17. Review status: criteria provided, single submitter. Criteria: ACMG Guidelines, 2015. Collection method: clinical testing. Allele origin: germline. Observed: 1 variant allele.
Comment: BP4_moderate, PM2_supporting